The following is an entry in ClinVar:

ClinVar aggregate classification (germline): Likely benign. Review status: criteria provided, multiple submitters, no conflicts (2 of 4 stars). 4 submissions from 4 submitters: Likely benign (4). Last evaluated 2025-12-30.

Conditions:
Inborn genetic diseases. Identifiers: MedGen C0950123, MeSH D030342.
Tay-Sachs disease (TSD). Also called: Hexosaminidase A Deficiency; HEXA Disorders; HEXA DEFICIENCY; GM2 gangliosidosis, type 1; Hexosaminidase alpha-subunit deficiency (variant B); Sphingolipidosis, Tay-Sachs. Identifiers: Orphanet 845, MedGen C0039373, MONDO:0010100, OMIM 272800.

Allele frequency attached by ClinVar (database versions not stated): ExAC 0.00002; gnomAD exomes 0.00002 and 0.00004; gnomAD 0.00003 and 0.00004; TOPMed 0.00007.
gnomAD v4.1: 63 of 1,613,916 alleles (0.0039%); highest among the groups gnomAD compares: African/African-American, 0.0053%; no homozygotes.

Submissions (4):

Labcorp Genetics (formerly Invitae), Labcorp
Classification: Likely benign for Tay-Sachs disease. Last evaluated: 2025-12-30. Review status: criteria provided, single submitter. Criteria: Invitae Variant Classification Sherloc (09022015). Collection method: clinical testing. Allele origin: germline.

Blueprint Genetics
Classification: Likely benign. Last evaluated: 2024-09-11. Review status: criteria provided, single submitter. Criteria: ACMG Guidelines, 2015. Collection method: clinical testing. Allele origin: germline.

CeGaT Center for Human Genetics Tuebingen
Classification: Likely benign. Last evaluated: 2024-07-01. Review status: criteria provided, single submitter. Criteria: CeGaT Center For Human Genetics Tuebingen Variant Classification Criteria Version 2. Collection method: clinical testing. Allele origin: germline. Affected: yes. Observed: 1 variant allele.
Comment: HEXA: BP4, BP7

Ambry Genetics
Classification: Likely benign for Inborn genetic diseases. Last evaluated: 2023-04-11. Review status: criteria provided, single submitter. Criteria: Ambry Variant Classification Scheme 2023. Collection method: clinical testing. Allele origin: germline.

NM_000520.6(HEXA):c.840G>A (p.Gly280=)

Gene: HEXA (hexosaminidase subunit alpha; minus strand). Cytogenetic location: 15q23.
Variant type: single nucleotide variant.
Coding change: c.840G>A on transcript NM_000520.6 (MANE Select); coding-DNA position 840, G replaced by A.
Protein change: p.Gly280=; no amino-acid change (glycine 280 retained).
Molecular consequence: synonymous variant. On other transcripts: non-coding transcript variant (1).
Genome position (GRCh38, 1-based): chr15:72,349,225, C>T on the plus strand (G>A on the coding strand, the complement: HEXA is on the minus strand). VCF-style: chr15-72349225-C-T. GRCh37 (hg19) VCF-style: chr15-72641566-C-T.
Other names: c.840G>A (NM_000520.4); c.873G>A, p.Gly291= (NM_001318825.2).
Identifiers: ClinVar variation 1154238 (VCV001154238.28), dbSNP rs778823870, ClinGen allele CA7644876.